The following is an entry in ClinVar:

ClinVar aggregate classification (germline): Uncertain significance (1 of 4 stars; one submission).

Conditions:
Cataract 45 (CTRCT45). Identifiers: Orphanet 91492, MedGen C4225182, MONDO:0014799, OMIM 616851.

Submission:

3billion
Classification: Uncertain significance for Cataract 45. Last evaluated: 2024-09-24. Review status: criteria provided, single submitter. Criteria: ACMG Guidelines, 2015. Collection method: clinical testing. Allele origin: germline. Affected: yes.
Comment: The variant is observed at an extremely low frequency in the gnomAD v4.0.0 dataset (total allele frequency: 0.001%). Predicted Consequence/Location: Intron variant In silico tools predict the variant to alter splicing and produce an abnormal transcript [SpliceAI: 0.48 (>=0.2, moderate evidence for spliceogenicity)]. Therefore, this variant is classified as VUS according to the recommendation of ACMG/AMP guideline.

NM_015073.3(SIPA1L3):c.2029+4A>C

Gene: SIPA1L3 (signal induced proliferation associated 1 like 3; plus strand). Cytogenetic location: 19q13.13.
Variant type: single nucleotide variant.
Coding change: c.2029+4A>C on transcript NM_015073.3 (MANE Select); 4 bases into the intron after coding-DNA position 2029, A replaced by C.
Molecular consequence: intron variant.
Genome position (GRCh38, 1-based): chr19:38,101,230, A>C. VCF-style: chr19-38101230-A-C. GRCh37 (hg19) VCF-style: chr19-38591870-A-C.
Identifiers: ClinVar variation 3775329 (VCV003775329.2).
Genomic context (GRCh38, chr19:38,101,230, plus strand): 5'-GCGAGAAGGTCTGCCTGAAGGGCTTCACCAAGTACGCTGCCCAGCTGGACGTCAAGAGTA[A>C]GTAGGGGGCCGGTTAGATCACAGTGAGCCACCACTGCACTCCTACTCAACAGGCAAAGCT-3'